The following is an entry in ClinVar:

NM_003403.5(YY1):c.508G>A (p.Gly170Ser)

Genes: YY1 (YY1 transcription factor; plus strand), LOC130056453 (ATAC-STARR-seq lymphoblastoid silent region 6082; plus strand). Cytogenetic location: 14q32.2.
Variant type: single nucleotide variant.
Coding change: c.508G>A on transcript NM_003403.5 (MANE Select); coding-DNA position 508, G replaced by A.
Protein change: p.Gly170Ser; replaces glycine 170 with serine.
Molecular consequence: missense variant.
Genome position (GRCh38, 1-based): chr14:100,239,752, G>A. VCF-style: chr14-100239752-G-A. GRCh37 (hg19) VCF-style: chr14-100706089-G-A.
Other names: short protein forms G170S.
Identifiers: ClinVar variation 4891152 (VCV004891152.1).
Genomic context (GRCh38, chr14:100,239,752, plus strand): 5'-CTGGTCACCGTGGCGGCGGCCGGCAAGAGCGGCGGCGGCGGCTCGTCGTCGTCGGGAGGC[G>A]GCCGCGTCAAGAAGGGCGGCGGCAAGAAGAGCGGCAAGAAGAGTTACCTCAGCGGCGGGG-3'
Protein context (NP_003394.1, residues 160-180): GGGGSSSSGG[Gly170Ser]RVKKGGGKKS

ClinVar aggregate classification (germline): Uncertain significance (1 of 4 stars; one submission).

Submission:

Greenwood Genetic Center Diagnostic Laboratories, Greenwood Genetic Center
Classification: Uncertain significance. Last evaluated: 2026-06-16. Review status: criteria provided, single submitter. Criteria: ACMG Guidelines, 2015. Collection method: clinical testing. Allele origin: germline.
Comment: PM2, BP4, PP2